The following is an entry in ClinVar:

ClinVar aggregate classification (germline): Uncertain significance (1 of 4 stars; one submission).

Allele frequency attached by ClinVar (database versions not stated): gnomAD exomes below 0.00001; gnomAD 0.00002.
gnomAD v4.1: 8 of 1,589,662 alleles (0.0005%); highest among the groups gnomAD compares: African/African-American, 0.0081%; no homozygotes.

Submission:

Labcorp Genetics (formerly Invitae), Labcorp
Classification: Uncertain significance. Last evaluated: 2021-12-03. Review status: criteria provided, single submitter. Criteria: Invitae Variant Classification Sherloc (09022015). Collection method: clinical testing. Allele origin: germline.
Comment: This sequence change replaces proline, which is neutral and non-polar, with leucine, which is neutral and non-polar, at codon 54 of the HPS3 protein (p.Pro54Leu). This variant is present in population databases (rs759717409, gnomAD 0.001%). This variant has not been reported in the literature in individuals affected with HPS3-related conditions. Algorithms developed to predict the effect of missense changes on protein structure and function are either unavailable or do not agree on the potential impact of this missense change (SIFT: "Tolerated"; PolyPhen-2: "Probably Damaging"; Align-GVGD: "Class C0"). In summary, the available evidence is currently insufficient to determine the role of this variant in disease. Therefore, it has been classified as a Variant of Uncertain Significance.

NM_032383.5(HPS3):c.161C>T (p.Pro54Leu)

Gene: HPS3 (HPS3 biogenesis of lysosomal organelles complex 2 subunit 1; plus strand). Cytogenetic location: 3q24.
Variant type: single nucleotide variant.
Coding change: c.161C>T on transcript NM_032383.5 (MANE Select); coding-DNA position 161, C replaced by T.
Protein change: p.Pro54Leu; replaces proline 54 with leucine.
Molecular consequence: missense variant.
Genome position (GRCh38, 1-based): chr3:149,129,884, C>T. VCF-style: chr3-149129884-C-T. GRCh37 (hg19) VCF-style: chr3-148847671-C-T.
Other names: c.161C>T, p.Pro54Leu (NM_001308258.2); short protein forms P54L.
Identifiers: ClinVar variation 1438991 (VCV001438991.3), dbSNP rs759717409, ClinGen allele CA2659729.